The following is an entry in ClinVar:

ClinVar aggregate classification (germline): Uncertain significance (1 of 4 stars; one submission).

gnomAD v4.1: 1 of 1,612,990 alleles (0.000062%); highest among the groups gnomAD compares: South Asian, 0.0011%; no homozygotes.

Submission:

Labcorp Genetics (formerly Invitae), Labcorp
Classification: Uncertain significance. Last evaluated: 2024-10-24. Review status: criteria provided, single submitter. Criteria: Invitae Variant Classification Sherloc (09022015). Collection method: clinical testing. Allele origin: germline.
Comment: This sequence change replaces asparagine, which is neutral and polar, with lysine, which is basic and polar, at codon 1342 of the ASXL2 protein (p.Asn1342Lys). This variant is not present in population databases (gnomAD no frequency). This variant has not been reported in the literature in individuals affected with ASXL2-related conditions. ClinVar contains an entry for this variant (Variation ID: 1362529). Invitae Evidence Modeling of protein sequence and biophysical properties (such as structural, functional, and spatial information, amino acid conservation, physicochemical variation, residue mobility, and thermodynamic stability) indicates that this missense variant is not expected to disrupt ASXL2 protein function with a negative predictive value of 80%. In summary, the available evidence is currently insufficient to determine the role of this variant in disease. Therefore, it has been classified as a Variant of Uncertain Significance.

NM_018263.6(ASXL2):c.4026C>G (p.Asn1342Lys)

Gene: ASXL2 (ASXL transcriptional regulator 2; minus strand). Cytogenetic location: 2p23.3.
Variant type: single nucleotide variant.
Coding change: c.4026C>G on transcript NM_018263.6 (MANE Select); coding-DNA position 4026, C replaced by G.
Protein change: p.Asn1342Lys; replaces asparagine 1342 with lysine.
Molecular consequence: missense variant.
Genome position (GRCh38, 1-based): chr2:25,742,311, G>C on the plus strand (C>G on the coding strand, the complement: ASXL2 is on the minus strand). VCF-style: chr2-25742311-G-C. GRCh37 (hg19) VCF-style: chr2-25965180-G-C.
Other names: c.3852C>G, p.Asn1284Lys (NM_001369346.1); c.3246C>G, p.Asn1082Lys (NM_001369347.1); short protein forms N1342K, N1082K, N1284K.
Identifiers: ClinVar variation 1362529 (VCV001362529.8), dbSNP rs1330303797, ClinGen allele CA346074505.